The following is an entry in ClinVar:

ClinVar aggregate classification (germline): Likely benign. Review status: criteria provided, single submitter (1 of 4 stars). 2 submissions from 2 submitters: Likely benign (1). 1 of the submissions does not count toward it. Last evaluated 2023-03-23.

Conditions:
Hereditary cancer-predisposing syndrome. Also called: Tumor predisposition; Neoplastic Syndromes, Hereditary; Hereditary Cancer Syndrome; Hereditary neoplastic syndrome. Identifiers: Orphanet 140162, MedGen C0027672, MeSH D009386, MONDO:0015356.
Breast-ovarian cancer, familial, susceptibility to, 1 (BROVCA1). Also called: OVARIAN CANCER, SUSCEPTIBILITY TO; BRCA1 Hereditary Breast and Ovarian Cancer. Identifiers: Orphanet 145, MedGen C2676676, MONDO:0011450, OMIM 604370. Disease mechanism: loss of function.

Submissions (2):

University of Washington Department of Laboratory Medicine, University of Washington
Classification: Likely benign for Hereditary cancer-predisposing syndrome. Last evaluated: 2023-03-23. Review status: criteria provided, single submitter. Criteria: Dines et al. (Genet Med. 2020). Collection method: curation. Allele origin: germline.
Comment: Missense variant in a coldspot region where missense variants are very unlikely to be pathogenic (PMID:31911673).

BRCA1 coldspot (exon 11 using historical exon numbering). Reclassification based on statistical prior probability

Breast Cancer Information Core (BIC) (BRCA1)
Classification: Uncertain significance for Breast-ovarian cancer, familial 1. Last evaluated: 2002-05-29. Review status: no assertion criteria provided. Collection method: clinical testing. Allele origin: germline. Affected: yes. Observed: 1 variant allele. Not counted in ClinVar's aggregate classification.

NM_007294.4(BRCA1):c.1458T>G (p.Phe486Leu)

Gene: BRCA1 (BRCA1 DNA repair associated; minus strand). Cytogenetic location: 17q21.31.
Variant type: single nucleotide variant.
Coding change: c.1458T>G on transcript NM_007294.4 (MANE Select); coding-DNA position 1458, T replaced by G.
Protein change: p.Phe486Leu; replaces phenylalanine 486 with leucine.
Molecular consequence: missense variant. On other transcripts: intron variant (137).
Genome position (GRCh38, 1-based): chr17:43,094,073, A>C on the plus strand (T>G on the coding strand, the complement: BRCA1 is on the minus strand). VCF-style: chr17-43094073-A-C. GRCh37 (hg19) VCF-style: chr17-41246090-A-C.
Other names: c.1245T>G, p.Phe415Leu (NM_001407571.1, NM_001407853.1, NM_001407894.1 and 9 more transcripts); c.1458T>G, p.Phe486Leu (NM_001407581.1, NM_001407582.1, NM_001407583.1 and 30 more transcripts); c.1455T>G, p.Phe485Leu (NM_001407587.1, NM_001407590.1, NM_001407591.1 and 22 more transcripts); c.1449T>G, p.Phe483Leu (NM_001407646.1, NM_001407647.1); c.1335T>G, p.Phe445Leu (NM_001407648.1, NM_001407664.1, NM_001407665.1 and 19 more transcripts); c.1332T>G, p.Phe444Leu (NM_001407649.1, NM_001407670.1, NM_001407671.1 and 11 more transcripts); c.1380T>G, p.Phe460Leu (NM_001407653.1, NM_001407654.1, NM_001407655.1 and 4 more transcripts); c.1377T>G, p.Phe459Leu (NM_001407659.1, NM_001407660.1, NM_001407661.1 and 1 more transcripts); and 40 more; short protein forms F486L, F439L, F415L, F483L, F374L, F375L, F419L, F445L.
Identifiers: ClinVar variation 54260 (VCV000054260.5), dbSNP rs80357400, ClinGen allele CA000978.
Genomic context (GRCh38, chr17:43,094,073, plus strand): 5'-CCTTTTACGCTTTAATTTATTTGTGAGGGGACGCTCTTGTATTATCTGTGGCTCAGTAAC[A>C]AATGCTCCTATAATTAGATTTTCAGTTACATGGCTTAAGTTGGGGAGGCTTGCCTTCTTC-3'
Protein context (NP_009225.1, residues 476-496): HVTENLIIGA[Phe486Leu]VTEPQIIQER